The following is an entry in ClinVar:

NM_001042517.2(DIAPH3):c.2608-3T>C

Gene: DIAPH3 (diaphanous related formin 3; minus strand). Cytogenetic location: 13q21.2.
Variant type: single nucleotide variant.
Coding change: c.2608-3T>C on transcript NM_001042517.2 (MANE Select); 3 bases into the intron before coding-DNA position 2608, T replaced by C.
Molecular consequence: intron variant.
Genome position (GRCh38, 1-based): chr13:59,861,539, A>G on the plus strand (T>C on the coding strand, the complement: DIAPH3 is on the minus strand). VCF-style: chr13-59861539-A-G. GRCh37 (hg19) VCF-style: chr13-60435673-A-G.
Other names: c.2398-3T>C (NM_001258368.2); c.2470-3T>C (NM_001258367.2); c.2575-3T>C (NM_001258366.2); c.2608-3T>C (NM_001258369.2, NM_001042517.1); c.1819-3T>C (NM_030932.4, NM_001258370.2).
Identifiers: ClinVar variation 1440053 (VCV001440053.6), dbSNP rs201176225, ClinGen allele CA6996330.
Genomic context (GRCh38, chr13:59,861,539, plus strand): 5'-TTTCTACCAGGAAATGAAGTAGCGTTGTTTTCTGATCTGCTGATTTTGTGTCCTTTAGCT[A>G]AATAGAACAGGAGGGAGAAAAAACACAGAGTCATAAGTATGTTGATATTCTGTCTACTTA-3'

ClinVar aggregate classification (germline): Conflicting classifications of pathogenicity. Review status: criteria provided, conflicting classifications (1 of 4 stars). 3 submissions from 3 submitters: Uncertain significance (1); Likely benign (1). 1 of the submissions does not count toward it. Last evaluated 2023-12-26.

Conditions:
DIAPH3-related disorder. Also called: DIAPH3-related condition.

Allele frequency attached by ClinVar (database versions not stated): gnomAD 0.00001 and 0.00005; gnomAD exomes 0.00002 and 0.00006; TOPMed 0.00002; ExAC 0.00006; 1000 Genomes Project 0.00060; 1000 Genomes Project 30x 0.00078.
gnomAD v4.1: 42 of 1,613,614 alleles (0.0026%); highest among the groups gnomAD compares: East Asian, 0.092%; 1 homozygote.

Submissions (3):

Blueprint Genetics
Classification: Likely benign. Last evaluated: 2023-12-26. Review status: criteria provided, single submitter. Criteria: ACMG Guidelines, 2015. Collection method: clinical testing. Allele origin: germline.

Labcorp Genetics (formerly Invitae), Labcorp
Classification: Uncertain significance. Last evaluated: 2022-08-09. Review status: criteria provided, single submitter. Criteria: Invitae Variant Classification Sherloc (09022015). Collection method: clinical testing. Allele origin: germline.
Comment: This sequence change falls in intron 21 of the DIAPH3 gene. It does not directly change the encoded amino acid sequence of the DIAPH3 protein. It affects a nucleotide within the consensus splice site. This variant is present in population databases (rs201176225, gnomAD 0.09%), and has an allele count higher than expected for a pathogenic variant. This variant has not been reported in the literature in individuals affected with DIAPH3-related conditions. ClinVar contains an entry for this variant (Variation ID: 1440053). Variants that disrupt the consensus splice site are a relatively common cause of aberrant splicing (PMID: 17576681, 9536098). Algorithms developed to predict the effect of sequence changes on RNA splicing suggest that this variant is not likely to affect RNA splicing. In summary, the available evidence is currently insufficient to determine the role of this variant in disease. Therefore, it has been classified as a Variant of Uncertain Significance.

PreventionGenetics, part of Exact Sciences
Classification: Likely benign for DIAPH3-related condition. Last evaluated: 2023-10-20. Review status: no assertion criteria provided. Collection method: clinical testing. Allele origin: germline. Not counted in ClinVar's aggregate classification.
Comment: This variant is classified as likely benign based on ACMG/AMP sequence variant interpretation guidelines (Richards et al. 2015 PMID: 25741868, with internal and published modifications).

Literature cited by the submitters: PubMed 17576681 (cited by Labcorp Genetics (formerly Invitae), Labcorp); PubMed 9536098 (cited by Labcorp Genetics (formerly Invitae), Labcorp).